The following is an entry in ClinVar:

ClinVar aggregate classification (germline): Pathogenic/Likely pathogenic. Review status: criteria provided, multiple submitters, no conflicts (2 of 4 stars). 3 submissions from 3 submitters: Pathogenic (1); Likely pathogenic (2). Last evaluated 2025-03-05.

Conditions:
CNOT9-associated neurodevelopmental disorder.

Submissions (3):

GeneDx
Classification: Pathogenic. Last evaluated: 2025-03-05. Review status: criteria provided, single submitter. Criteria: GeneDx Variant Classification Process June 2021. Collection method: clinical testing. Allele origin: germline. Affected: yes.
Comment: Not observed at significant frequency in large population cohorts (gnomAD); In silico analysis supports that this missense variant has a deleterious effect on protein structure/function; This variant is associated with the following publications: (PMID: 35982159, 31785789, 37092538, 33057194)

Institute for Clinical Genetics, University Hospital TU Dresden, University Hospital TU Dresden
Classification: Likely pathogenic. Last evaluated: 2023-05-04. Review status: criteria provided, single submitter. Criteria: ACMG Guidelines, 2015. Collection method: clinical testing. Allele origin: germline.
Comment: PS3, PS4_MOD, PM6, PP3, PP2, PM2_SUP

Institute of Human Genetics, University of Leipzig Medical Center
Classification: Likely pathogenic for CNOT9-associated neurodevelopmental disorder. Last evaluated: 2022-09-28. Review status: criteria provided, single submitter. Criteria: ACMG Guidelines, 2015. Collection method: clinical testing. Allele origin: de novo. Affected: yes. Observed: 1 variant allele.
Comment: PS2_MOD, PM1, PM2_SUP, PP2, PP3, PS3_SUP

NM_005444.3(CNOT9):c.680G>A (p.Arg227His)

Gene: CNOT9 (CCR4-NOT transcription complex subunit 9; plus strand). Cytogenetic location: 2q35.
Variant type: single nucleotide variant.
Coding change: c.680G>A on transcript NM_005444.3 (MANE Select); coding-DNA position 680, G replaced by A.
Protein change: p.Arg227His; replaces arginine 227 with histidine.
Molecular consequence: missense variant. On other transcripts: non-coding transcript variant (1).
Genome position (GRCh38, 1-based): chr2:218,592,656, G>A. VCF-style: chr2-218592656-G-A. GRCh37 (hg19) VCF-style: chr2-219457379-G-A.
Other names: c.776G>A, p.Arg259His (NM_001271634.2); c.680G>A, p.Arg227His (NM_001271635.2); c.680G>A (NM_005444.2); short protein forms R227H, R259H.
Identifiers: ClinVar variation 1707500 (VCV001707500.3), dbSNP rs2469475477, ClinGen allele CA350572433.